The following is an entry in ClinVar:

NM_001563.4(IMPG1):c.777C>T (p.Tyr259=)

Gene: IMPG1 (interphotoreceptor matrix proteoglycan 1; minus strand). Cytogenetic location: 6q14.1.
Variant type: single nucleotide variant.
Coding change: c.777C>T on transcript NM_001563.4 (MANE Select); coding-DNA position 777, C replaced by T.
Protein change: p.Tyr259=; no amino-acid change (tyrosine 259 retained).
Molecular consequence: synonymous variant.
Genome position (GRCh38, 1-based): chr6:76,018,748, G>A on the plus strand (C>T on the coding strand, the complement: IMPG1 is on the minus strand). VCF-style: chr6-76018748-G-A. GRCh37 (hg19) VCF-style: chr6-76728465-G-A.
Other names: c.543C>T, p.Tyr181= (NM_001282368.2); c.777C>T (NM_001563.3).
Identifiers: ClinVar variation 1136784 (VCV001136784.12), dbSNP rs569948757, ClinGen allele CA3898342.

ClinVar aggregate classification (germline): Likely benign. Review status: criteria provided, multiple submitters, no conflicts (2 of 4 stars). 3 submissions from 3 submitters: Likely benign (2). 1 of the submissions does not count toward it. Last evaluated 2025-07-27.

Conditions:
IMPG1-related disorder. Also called: IMPG1-related condition.

Allele frequency attached by ClinVar (database versions not stated): ExAC 0.00001; TOPMed 0.00001.
gnomAD v4.1: 110 of 1,613,292 alleles (0.0068%); highest among the groups gnomAD compares: Non-Finnish European, 0.0085%; no homozygotes.

Submissions (3):

Labcorp Genetics (formerly Invitae), Labcorp
Classification: Likely benign. Last evaluated: 2025-07-27. Review status: criteria provided, single submitter. Criteria: Invitae Variant Classification Sherloc (09022015). Collection method: clinical testing. Allele origin: germline.

Blueprint Genetics
Classification: Likely benign. Last evaluated: 2020-07-03. Review status: criteria provided, single submitter. Criteria: ACMG Guidelines, 2015. Collection method: clinical testing. Allele origin: germline.

PreventionGenetics, part of Exact Sciences
Classification: Likely benign for IMPG1-related condition. Last evaluated: 2019-11-15. Review status: no assertion criteria provided. Collection method: clinical testing. Allele origin: germline. Not counted in ClinVar's aggregate classification.
Comment: This variant is classified as likely benign based on ACMG/AMP sequence variant interpretation guidelines (Richards et al. 2015 PMID: 25741868, with internal and published modifications).